The following is an entry in ClinVar:

NM_000329.3(RPE65):c.1282G>T (p.Gly428Trp)

Gene: RPE65 (retinoid isomerohydrolase RPE65; minus strand). Cytogenetic location: 1p31.3.
Variant type: single nucleotide variant.
Coding change: c.1282G>T on transcript NM_000329.3 (MANE Select); coding-DNA position 1282, G replaced by T.
Protein change: p.Gly428Trp; replaces glycine 428 with tryptophan.
Molecular consequence: missense variant.
Genome position (GRCh38, 1-based): chr1:68,431,338, C>A on the plus strand (G>T on the coding strand, the complement: RPE65 is on the minus strand). VCF-style: chr1-68431338-C-A. GRCh37 (hg19) VCF-style: chr1-68897021-C-A.
Other names: short protein forms G428W.
Identifiers: ClinVar variation 1065750 (VCV001065750.2), dbSNP rs2100807435, ClinGen allele CA340742562.
Genomic context (GRCh38, chr1:68,431,338, plus strand): 5'-TTACCCTATCTGGAACAAAGTGATTCAAGCCAAGTCCATACGCATATGTGTAAGGTTTCC[C>A]ACAATACTTCTGGTAATTGATTTGAGGAAACTCAAATGCTACGAAATAGAGCACATGCTT-3'
Protein context (NP_000320.1, residues 418-438): FPQINYQKYC[Gly428Trp]KPYTYAYGLG

ClinVar aggregate classification (germline): Uncertain significance. Review status: criteria provided, multiple submitters, no conflicts (2 of 4 stars). 2 submissions from 2 submitters: Uncertain significance (2). Last evaluated 2025-10-14.

Conditions:
RPE65-related recessive retinopathy. Also called: Recessive RPE65 retinopathy. Identifiers: MedGen CN305526, MONDO:0100368.
Retinitis pigmentosa 20 (RP20). Identifiers: Orphanet 791, MedGen C3151086, MONDO:0013425, OMIM 613794.

Submissions (2):

Myriad Genetics, Inc.
Classification: Uncertain significance for RPE65-related recessive retinopathy. Last evaluated: 2025-10-14. Review status: criteria provided, single submitter. Criteria: Myriad Autosomal Dominant, Autosomal Recessive and X-Linked Classification Criteria (2023). Collection method: clinical testing. Allele origin: unknown.
Comment: NM_000329.2(RPE65):c.1282G>T(G428W) is a missense variant classified as a variant of uncertain significance in the context of inherited retinal dystrophy, RPE65-related. G428W has been observed in a case with relevant disease (PMID: 34906470). Relevant functional assessments of this variant are not available in the literature. G428W has not been observed in referenced population frequency databases. In summary, there is insufficient evidence to classify NM_000329.2(RPE65):c.1282G>T(G428W) as pathogenic or benign. Please note: this variant was assessed in the context of healthy population screening.

Ocular Genomics Institute, Massachusetts Eye and Ear
Classification: Uncertain significance for Retinitis pigmentosa 20. Last evaluated: 2021-04-08. Review status: criteria provided, single submitter. Criteria: ACMG Guidelines, 2015. Collection method: research. Allele origin: germline. Affected: yes.
Comment: Through a review of available evidence we were able to apply the following criteria: PM2. Based on this evidence we have classified this variant as Variant of Uncertain Significance.

Literature cited by the submitters: PubMed 34906470 (cited by Myriad Genetics, Inc.).